The following is an entry in ClinVar:

GRCh38/hg38 15q11.2(chr15:22559691-23066575)x1

Genes: CYFIP1 (cytoplasmic FMR1 interacting protein 1; minus strand), NIPA1 (NIPA magnesium transporter 1; plus strand), NIPA2 (NIPA magnesium transporter 2; plus strand), TUBGCP5 (tubulin gamma complex component 5; minus strand), LOC112272575 (Sharpr-MPRA regulatory region 8478; plus strand) and 15 more. Cytogenetic location: 15q11.2.
Variant type: copy number loss.
Change: copy number 1 (one copy instead of two) of chr15:22,559,691-23,066,575 (506.9 kb, GRCh38 coordinates, 1-based), cytogenetic band 15q11.2.
Identifiers: ClinVar variation 57533 (VCV000057533.2).

ClinVar aggregate classification (germline): Uncertain significance (1 of 4 stars; one submission).

Submission:

ISCA Site 6
Classification: Uncertain significance. Last evaluated: 2011-08-12. Review status: criteria provided, single submitter. Criteria: Kaminsky et al. (Genet Med. 2011). Collection method: clinical testing. Allele origin: unknown. Affected: yes. Observed: 1 variant allele.
Comment: Copy number variation identified through the course of routine clinical cytogenomic testing in postnatal populations. Clinical assertions have been curated as described in Kaminsky et al. 2011.